The following is an entry in ClinVar:

NM_001367868.2(PLIN4):c.2776G>A (p.Gly926Ser)

Gene: PLIN4 (perilipin 4; minus strand). Cytogenetic location: 19p13.3.
Variant type: single nucleotide variant.
Coding change: c.2776G>A on transcript NM_001367868.2 (MANE Select); coding-DNA position 2776, G replaced by A.
Protein change: p.Gly926Ser; replaces glycine 926 with serine.
Molecular consequence: missense variant.
Genome position (GRCh38, 1-based): chr19:4,511,184, C>T on the plus strand (G>A on the coding strand, the complement: PLIN4 is on the minus strand). VCF-style: chr19-4511184-C-T. GRCh37 (hg19) VCF-style: chr19-4511196-C-T.
Other names: c.2779G>A, p.Gly927Ser (NM_001393888.1, NM_001393889.1); c.2776G>A, p.Gly926Ser (NM_001393890.1, NM_001393891.1); short protein forms G926S, G927S.
Identifiers: ClinVar variation 4821615 (VCV004821615.4).

ClinVar aggregate classification (germline): Likely benign (1 of 4 stars; one submission).

gnomAD v4.1: 834 of 1,612,250 alleles (0.052%); highest among the groups gnomAD compares: African/African-American, 0.84%; 7 homozygotes.

Submission:

CeGaT Center for Human Genetics Tuebingen
Classification: Likely benign. Last evaluated: 2026-02-01. Review status: criteria provided, single submitter. Criteria: CeGaT Center For Human Genetics Tuebingen Variant Classification Criteria Version 2. Collection method: clinical testing. Allele origin: germline. Affected: yes. Observed: 1 variant allele.
Comment: PLIN4: BP4